The following is an entry in ClinVar:

NM_018109.4(MTPAP):c.1165C>T (p.Gln389Ter)

Gene: MTPAP (mitochondrial poly(A) polymerase; minus strand). Cytogenetic location: 10p11.23.
Variant type: single nucleotide variant.
Coding change: c.1165C>T on transcript NM_018109.4 (MANE Select); coding-DNA position 1165, C replaced by T.
Protein change: p.Gln389Ter; replaces glutamine 389 with a stop codon.
Molecular consequence: nonsense.
Genome position (GRCh38, 1-based): chr10:30,322,445, G>A on the plus strand (C>T on the coding strand, the complement: MTPAP is on the minus strand). VCF-style: chr10-30322445-G-A. GRCh37 (hg19) VCF-style: chr10-30611374-G-A.
Other names: short protein forms Q389*.
Identifiers: ClinVar variation 1978481 (VCV001978481.4), dbSNP rs2538452409, ClinGen allele CA376436329.

ClinVar aggregate classification (germline): Uncertain significance (1 of 4 stars; one submission).

Submission:

Labcorp Genetics (formerly Invitae), Labcorp
Classification: Uncertain significance. Last evaluated: 2022-04-19. Review status: criteria provided, single submitter. Criteria: Invitae Variant Classification Sherloc (09022015). Collection method: clinical testing. Allele origin: germline.
Comment: In summary, the available evidence is currently insufficient to determine the role of this variant in disease. Therefore, it has been classified as a Variant of Uncertain Significance. This variant is not present in population databases (gnomAD no frequency). This sequence change creates a premature translational stop signal (p.Gln389*) in the MTPAP gene. It is expected to result in an absent or disrupted protein product. However, the current clinical and genetic evidence is not sufficient to establish whether loss-of-function variants in MTPAP cause disease. This variant has not been reported in the literature in individuals affected with MTPAP-related conditions.